The following is an entry in ClinVar:

ClinVar aggregate classification (germline): Uncertain significance. Review status: criteria provided, multiple submitters, no conflicts (2 of 4 stars). 2 submissions from 2 submitters: Uncertain significance (2). Last evaluated 2024-09-02.

Conditions:
Acute myeloid leukemia (AML). Also called: Leukemia, acute myeloid, somatic; Leukemia, acute myelogenous, somatic; Acute myeloid leukemia, adult; AML adult; Acute non-lymphocytic leukemia; Acute granulocytic leukemia. Identifiers: Orphanet 519, MedGen C0023467, MeSH D015470, MONDO:0018874, OMIM 601626, HP:0004808. Disease mechanism: Constitutively activated FLT3.
Inborn genetic diseases. Identifiers: MedGen C0950123, MeSH D030342.

Submissions (2):

Ambry Genetics
Classification: Uncertain significance for Inborn genetic diseases. Last evaluated: 2024-09-02. Review status: criteria provided, single submitter. Criteria: Ambry Variant Classification Scheme 2023. Collection method: clinical testing. Allele origin: germline.

Labcorp Genetics (formerly Invitae), Labcorp
Classification: Uncertain significance for Acute myeloid leukemia. Last evaluated: 2022-08-19. Review status: criteria provided, single submitter. Criteria: Invitae Variant Classification Sherloc (09022015). Collection method: clinical testing. Allele origin: germline.
Comment: This sequence change replaces glycine, which is neutral and non-polar, with serine, which is neutral and polar, at codon 132 of the CEBPA protein (p.Gly132Ser). The frequency data for this variant in the population databases is considered unreliable, as metrics indicate insufficient coverage at this position in the gnomAD database. This variant has not been reported in the literature in individuals affected with CEBPA-related conditions. Algorithms developed to predict the effect of missense changes on protein structure and function are either unavailable or do not agree on the potential impact of this missense change (SIFT: "Deleterious"; PolyPhen-2: "Probably Damaging"; Align-GVGD: "Class C0"). In summary, the available evidence is currently insufficient to determine the role of this variant in disease. Therefore, it has been classified as a Variant of Uncertain Significance.

NM_004364.5(CEBPA):c.394G>A (p.Gly132Ser)

Gene: CEBPA (CCAAT enhancer binding protein alpha; minus strand). Cytogenetic location: 19q13.11.
Variant type: single nucleotide variant.
Coding change: c.394G>A on transcript NM_004364.5 (MANE Select); coding-DNA position 394, G replaced by A.
Protein change: p.Gly132Ser; replaces glycine 132 with serine.
Molecular consequence: missense variant.
Genome position (GRCh38, 1-based): chr19:33,302,021, C>T on the plus strand (G>A on the coding strand, the complement: CEBPA is on the minus strand). VCF-style: chr19-33302021-C-T. GRCh37 (hg19) VCF-style: chr19-33792927-C-T.
Other names: c.37G>A, p.Gly13Ser (NM_001285829.2); c.499G>A, p.Gly167Ser (NM_001287424.2); c.352G>A, p.Gly118Ser (NM_001287435.2); short protein forms G118S, G132S, G13S, G167S.
Identifiers: ClinVar variation 1716798 (VCV001716798.7), dbSNP rs1038352346, ClinGen allele CA405275047.